The following is an entry in ClinVar:

ClinVar aggregate classification (germline): Benign. Review status: criteria provided, multiple submitters, no conflicts (2 of 4 stars). 22 submissions from 16 submitters: Benign (20). 2 of the submissions do not count toward it. Last evaluated 2026-02-04.

Conditions:
Meacham syndrome. Also called: Meacham Winn Culler syndrome. Identifiers: Orphanet 3097, MedGen C1837026, MONDO:0012164, OMIM 608978.
Inborn genetic diseases. Identifiers: MedGen C0950123, MeSH D030342.
Drash syndrome (DDS). Also called: NEPHROPATHY, WILMS TUMOR, AND GENITAL ANOMALIES; WILMS TUMOR AND PSEUDO- OR TRUE HERMAPHRODITISM. Identifiers: Orphanet 220, MedGen C0950121, MONDO:0008682, OMIM 194080.
Frasier syndrome. Identifiers: Orphanet 347, MedGen C0950122, MeSH D052159, MONDO:0007635, OMIM 136680.
Wilms tumor 1 (WT1). Also called: Wilms tumor, somatic. Identifiers: Orphanet 654, MedGen CN033288, MONDO:0008679, OMIM 194070.
11p partial monosomy syndrome (WAGR). Also called: CHROMOSOME 11p13 DELETION SYNDROME; WAGR Complex; WAGR syndrome; WAGR Spectrum Disorder. Identifiers: Orphanet 893, MedGen C0206115, MONDO:0008681, OMIM 194072.
Nephrotic syndrome, type 4 (NPHS4). Also called: Familial mesangial sclerosis; Nephrotic syndrome, early onset with diffuse mesangial sclerosis. Identifiers: Orphanet 656, MedGen C3151568, MONDO:0009733, OMIM 256370.

Allele frequency attached by ClinVar (database versions not stated): gnomAD exomes 0.22034 and 0.22844; ESP Exome Variant Server 0.28595; 1000 Genomes Project 0.30172; gnomAD 0.30977 and 0.31689; 1000 Genomes Project 30x 0.30981; TOPMed 0.32126; ExAC 0.32989.
gnomAD v4.1: 359,718 of 1,517,410 alleles (24%); highest among the groups gnomAD compares: African/African-American, 60%; 49,299 homozygotes.

Submissions (22):

Labcorp Genetics (formerly Invitae), Labcorp
Classification: Benign for Wilms tumor 1; Drash syndrome; 11p partial monosomy syndrome; Frasier syndrome. Last evaluated: 2026-02-04. Review status: criteria provided, single submitter. Criteria: Invitae Variant Classification Sherloc (09022015). Collection method: clinical testing. Allele origin: germline.

Blueprint Genetics
Classification: Benign. Last evaluated: 2024-11-27. Review status: criteria provided, single submitter. Criteria: ACMG Guidelines, 2015. Collection method: clinical testing. Allele origin: germline.

Ambry Genetics
Classification: Benign for Inborn genetic diseases. Last evaluated: 2024-10-28. Review status: criteria provided, single submitter. Criteria: Ambry Variant Classification Scheme 2023. Collection method: clinical testing. Allele origin: germline.

Unidad de Genómica Garrahan, Hospital de Pediatría Garrahan
Classification: Benign. Last evaluated: 2024-07-15. Review status: criteria provided, single submitter. Criteria: ACMG Guidelines, 2015. Collection method: clinical testing. Allele origin: germline. Affected: no. Observed: 23 variant alleles.
Comment: This variant is classified as Benign based on local population frequency. This variant was detected in 25% of patients studied in a panel designed for Epileptic and Developmental Encephalopathy and Progressive Myoclonus Epilepsy. Number of patients: 23. Only high quality variants are reported.

KCCC/NGS Laboratory, Kuwait Cancer Control Center
Classification: Benign for Wilms tumor 1. Last evaluated: 2023-07-07. Review status: criteria provided, single submitter. Criteria: ACMG Guidelines, 2015. Collection method: clinical testing. Allele origin: germline. Affected: yes.

Mayo Clinic Laboratories, Mayo Clinic
Classification: Benign. Last evaluated: 2022-03-09. Review status: criteria provided, single submitter. Criteria: ACMG Guidelines, 2015. Collection method: clinical testing. Allele origin: germline. Observed: 192 variant alleles.

Genome-Nilou Lab
Classification: Benign for Drash syndrome. Last evaluated: 2021-12-05. Review status: criteria provided, single submitter. Criteria: ACMG Guidelines, 2015. Collection method: clinical testing. Allele origin: germline. Affected: no.

Genome-Nilou Lab
Classification: Benign for Frasier syndrome. Last evaluated: 2021-12-05. Review status: criteria provided, single submitter. Criteria: ACMG Guidelines, 2015. Collection method: clinical testing. Allele origin: germline. Affected: no.

Genome-Nilou Lab
Classification: Benign for Meacham syndrome. Last evaluated: 2021-12-05. Review status: criteria provided, single submitter. Criteria: ACMG Guidelines, 2015. Collection method: clinical testing. Allele origin: germline. Affected: no.

Genome-Nilou Lab
Classification: Benign for Nephrotic syndrome, type 4. Last evaluated: 2021-12-05. Review status: criteria provided, single submitter. Criteria: ACMG Guidelines, 2015. Collection method: clinical testing. Allele origin: germline. Affected: no.

Genome-Nilou Lab
Classification: Benign for Wilms tumor 1. Last evaluated: 2021-12-05. Review status: criteria provided, single submitter. Criteria: ACMG Guidelines, 2015. Collection method: clinical testing. Allele origin: germline. Affected: no.

Color Diagnostics, LLC DBA Color Health
Classification: Benign for Wilms tumor 1. Last evaluated: 2019-03-28. Review status: criteria provided, single submitter. Criteria: ACMG Guidelines, 2015. Collection method: clinical testing. Allele origin: germline.

Illumina Laboratory Services, Illumina
Classification: Benign for Nephrotic syndrome, type 4. Last evaluated: 2018-01-12. Review status: criteria provided, single submitter. Criteria: ICSL Variant Classification Criteria 13 December 2019. Collection method: clinical testing. Allele origin: germline.
Comment: This variant was observed in the ICSL laboratory as part of a predisposition screen in an ostensibly healthy population. It had not been previously curated by ICSL or reported in the Human Gene Mutation Database (HGMD: prior to June 1st, 2018), and was therefore a candidate for classification through an automated scoring system. Utilizing variant allele frequency, disease prevalence and penetrance estimates, and inheritance mode, an automated score was calculated to assess if this variant is too frequent to cause the disease. Based on the score and internal cut-off values, a variant classified as benign is not then subjected to further curation. The score for this variant resulted in a classification of benign for this disease.

Illumina Laboratory Services, Illumina
Classification: Benign for Meacham syndrome. Last evaluated: 2018-01-12. Review status: criteria provided, single submitter. Criteria: ICSL Variant Classification Criteria 13 December 2019. Collection method: clinical testing. Allele origin: germline.
Comment: the same text as in the submission from Illumina Laboratory Services, Illumina above.

Illumina Laboratory Services, Illumina
Classification: Benign for Wilms tumor 1. Last evaluated: 2018-01-12. Review status: criteria provided, single submitter. Criteria: ICSL Variant Classification Criteria 13 December 2019. Collection method: clinical testing. Allele origin: germline.
Comment: the same text as in the submission from Illumina Laboratory Services, Illumina above.

Women's Health and Genetics/Laboratory Corporation of America, LabCorp
Classification: Benign. Last evaluated: 2016-05-26. Review status: criteria provided, single submitter. Criteria: LabCorp Variant Classification Summary - May 2015. Collection method: clinical testing. Allele origin: germline.
Comment: Variant summary: The WT1 c.198G>T (p.Pro66Pro) variant involves the alteration of a non-conserved nucleotide, resulting in a synonymous change. One in silico tool predicts a benign outcome for this variant. 5/5 splice prediction tools predict no significant impact on normal splicing. ESE finder predicts that this variant may affect ESE sites. However, these predictions have yet to be confirmed by functional studies. This variant was found in 3159/9576 control chromosomes (520 homozygotes) at a frequency of 0.3298872, which is approximately 35188 times the estimated maximal expected allele frequency of a pathogenic WT1 variant (0.0000094), suggesting this variant is a benign polymorphism. Additionally, one clinical lab has classified this variant as benign. Taken together and based on the high allele frequency in the general population, this variant was classified as Benign.

Eurofins Ntd Llc (ga)
Classification: Benign. Last evaluated: 2016-05-24. Review status: criteria provided, single submitter. Criteria: EGL Classification Definitions 2015. Collection method: clinical testing. Allele origin: germline. Observed: 14 variant alleles, 13 heterozygotes, 1 homozygote.

GeneDx
Classification: Benign. Last evaluated: 2016-04-05. Review status: criteria provided, single submitter. Criteria: GeneDx Variant Classification (06012015). Collection method: clinical testing. Allele origin: germline. Affected: yes.
Comment: This variant is considered likely benign or benign based on one or more of the following criteria: it is a conservative change, it occurs at a poorly conserved position in the protein, it is predicted to be benign by multiple in silico algorithms, and/or has population frequency not consistent with disease.

Breakthrough Genomics
Classification: Benign. Review status: criteria provided, single submitter. Criteria: ACMG Guidelines, 2015. Collection method: not provided. Allele origin: germline. Inheritance: Autosomal dominant inheritance. Affected: yes.

PreventionGenetics, part of Exact Sciences
Classification: Benign. Review status: criteria provided, single submitter. Criteria: ACMG Guidelines, 2015. Collection method: clinical testing. Allele origin: germline.

Clinical Genetics DNA and cytogenetics Diagnostics Lab, Erasmus MC, Erasmus Medical Center
Classification: Benign. Review status: no assertion criteria provided. Collection method: clinical testing. Allele origin: germline. Affected: yes. Study: VKGL Data-share Consensus. Not counted in ClinVar's aggregate classification.

Genome Diagnostics Laboratory, University Medical Center Utrecht
Classification: Benign. Review status: no assertion criteria provided. Collection method: clinical testing. Allele origin: germline. Affected: yes. Study: VKGL Data-share Consensus. Not counted in ClinVar's aggregate classification.

NM_024426.6(WT1):c.213G>T (p.Pro71=)

Genes: WT1 (WT1 transcription factor; minus strand), LOC107982234 (WT1/WT1-AS bi-directional promoter region; plus strand). Cytogenetic location: 11p13.
Variant type: single nucleotide variant.
Coding change: c.213G>T on transcript NM_024426.6 (MANE Select); coding-DNA position 213, G replaced by T.
Protein change: p.Pro71=; no amino-acid change (proline 71 retained).
Molecular consequence: synonymous variant. On other transcripts: non-coding transcript variant (1).
Genome position (GRCh38, 1-based): chr11:32,435,148, C>A on the plus strand (G>T on the coding strand, the complement: WT1 is on the minus strand). VCF-style: chr11-32435148-C-A. GRCh37 (hg19) VCF-style: chr11-32456694-C-A.
Other names: p.Pro71=; c.213G>T, p.Pro71= (NM_000378.6, NM_024424.5).
Identifiers: ClinVar variation 261710 (VCV000261710.29), dbSNP rs2234582, ClinGen allele CA064733.